The following is an entry in ClinVar:

ClinVar aggregate classification (germline): Uncertain significance (1 of 4 stars; one submission).

Submission:

Labcorp Genetics (formerly Invitae), Labcorp
Classification: Uncertain significance. Last evaluated: 2025-02-21. Review status: criteria provided, single submitter. Criteria: Invitae Variant Classification Sherloc (09022015). Collection method: clinical testing. Allele origin: germline.
Comment: This variant, c.1293_1298del, is a complex sequence change that results in the deletion of 3 and insertion of 1 amino acid(s) in the LZTR1 protein (p.Glu431_Tyr433delinsAsp). This variant is not present in population databases (gnomAD no frequency). This variant has not been reported in the literature in individuals affected with LZTR1-related conditions. Experimental studies and prediction algorithms are not available or were not evaluated, and the functional significance of this variant is currently unknown. In summary, the available evidence is currently insufficient to determine the role of this variant in disease. Therefore, it has been classified as a Variant of Uncertain Significance.

NM_006767.4(LZTR1):c.1293_1298del (p.Glu431_Tyr433delinsAsp)

Gene: LZTR1 (leucine zipper like post translational regulator 1; plus strand). Cytogenetic location: 22q11.21.
Variant type: Deletion.
Coding change: c.1293_1298del on transcript NM_006767.4 (MANE Select); coding-DNA positions 1293 to 1298, 6 bases deleted (GGACTA; older notation c.1293_1298delGGACTA).
Protein change: p.Glu431_Tyr433delinsAsp.
Molecular consequence: inframe indel.
Genome position (GRCh38, 1-based): chr22:20,993,694-20,993,699, GGACTA deleted; deleting any 6 consecutive bases within chr22:20,993,693-20,993,699 gives the same sequence; the c. name uses the placement nearest the transcript's 3' end. VCF-style (leftmost placement, unchanged base first): chr22-20993692-GAGGACT-G. GRCh37 (hg19) VCF-style: chr22-21347981-GAGGACT-G.
Identifiers: ClinVar variation 4775309 (VCV004775309.1).